The following is an entry in ClinVar:

NM_031935.3(HMCN1):c.254C>G (p.Pro85Arg)

Gene: HMCN1 (hemicentin 1; plus strand). Cytogenetic location: 1q25.3.
Variant type: single nucleotide variant.
Coding change: c.254C>G on transcript NM_031935.3 (MANE Select); coding-DNA position 254, C replaced by G.
Protein change: p.Pro85Arg; replaces proline 85 with arginine.
Molecular consequence: missense variant.
Genome position (GRCh38, 1-based): chr1:185,735,033, C>G. VCF-style: chr1-185735033-C-G. GRCh37 (hg19) VCF-style: chr1-185704165-C-G.
Other names: short protein forms P85R.
Identifiers: ClinVar variation 1943782 (VCV001943782.5), dbSNP rs776032407, ClinGen allele CA1290764.

ClinVar aggregate classification (germline): Uncertain significance (1 of 4 stars; one submission).

Allele frequency attached by ClinVar (database versions not stated): ExAC 0.00001; TOPMed 0.00001; gnomAD 0.00003.
gnomAD v4.1: 35 of 1,614,098 alleles (0.0022%); highest among the groups gnomAD compares: Middle Eastern, 0.033%; no homozygotes.

Submission:

Labcorp Genetics (formerly Invitae), Labcorp
Classification: Uncertain significance. Last evaluated: 2025-07-20. Review status: criteria provided, single submitter. Criteria: Invitae Variant Classification Sherloc (09022015). Collection method: clinical testing. Allele origin: germline.
Comment: This sequence change replaces proline, which is neutral and non-polar, with arginine, which is basic and polar, at codon 85 of the HMCN1 protein (p.Pro85Arg). This variant is present in population databases (rs776032407, gnomAD 0.0009%). This variant has not been reported in the literature in individuals affected with HMCN1-related conditions. ClinVar contains an entry for this variant (Variation ID: 1943782). An algorithm developed to predict the effect of missense changes on protein structure and function (PolyPhen-2) suggests that this variant is likely to be disruptive. In summary, the available evidence is currently insufficient to determine the role of this variant in disease. Therefore, it has been classified as a Variant of Uncertain Significance.